The following is an entry in ClinVar:

NM_018076.5(ODAD2):c.1047G>T (p.Arg349Ser)

Gene: ODAD2 (outer dynein arm docking complex subunit 2; minus strand). Cytogenetic location: 10p12.1.
Variant type: single nucleotide variant.
Coding change: c.1047G>T on transcript NM_018076.5 (MANE Select); coding-DNA position 1047, G replaced by T.
Protein change: p.Arg349Ser; replaces arginine 349 with serine.
Molecular consequence: missense variant. On other transcripts: intron variant (1).
Genome position (GRCh38, 1-based): chr10:27,971,203, C>A on the plus strand (G>T on the coding strand, the complement: ODAD2 is on the minus strand). VCF-style: chr10-27971203-C-A. GRCh37 (hg19) VCF-style: chr10-28260132-C-A.
Other names: c.1047G>T, p.Arg349Ser (NM_001290020.2); c.123G>T, p.Arg41Ser (NM_001312689.2); c.-187-9488G>T (NM_001290021.2); short protein forms R41S, R349S.
Identifiers: ClinVar variation 3666201 (VCV003666201.2).

ClinVar aggregate classification (germline): Uncertain significance (1 of 4 stars; one submission).

Conditions:
Primary ciliary dyskinesia 23 (CILD23). Also called: CILIARY DYSKINESIA, PRIMARY, 23, WITH OR WITHOUT SITUS INVERSUS. Identifiers: Orphanet 244, MedGen C3809548, MONDO:0014193, OMIM 615451.

gnomAD v4.1: 25 of 1,613,952 alleles (0.0015%); highest among the groups gnomAD compares: South Asian, 0.014%; no homozygotes.

Submission:

Labcorp Genetics (formerly Invitae), Labcorp
Classification: Uncertain significance for Primary ciliary dyskinesia 23. Last evaluated: 2024-09-27. Review status: criteria provided, single submitter. Criteria: Invitae Variant Classification Sherloc (09022015). Collection method: clinical testing. Allele origin: germline.
Comment: This sequence change replaces arginine, which is basic and polar, with serine, which is neutral and polar, at codon 349 of the ARMC4 protein (p.Arg349Ser). This variant is present in population databases (rs200875268, gnomAD 0.01%). This variant has not been reported in the literature in individuals affected with ARMC4-related conditions. An algorithm developed to predict the effect of missense changes on protein structure and function outputs the following: PolyPhen-2: "Benign". The serine amino acid residue is found in multiple mammalian species, which suggests that this missense change does not adversely affect protein function. In summary, the available evidence is currently insufficient to determine the role of this variant in disease. Therefore, it has been classified as a Variant of Uncertain Significance.